The following is an entry in ClinVar:

NM_198578.4(LRRK2):c.5385G>T (p.Leu1795Phe)

Gene: LRRK2 (leucine rich repeat kinase 2; plus strand). Cytogenetic location: 12q12.
Variant type: single nucleotide variant.
Coding change: c.5385G>T on transcript NM_198578.4 (MANE Select); coding-DNA position 5385, G replaced by T.
Protein change: p.Leu1795Phe; replaces leucine 1795 with phenylalanine.
Molecular consequence: missense variant.
Genome position (GRCh38, 1-based): chr12:40,322,386, G>T. VCF-style: chr12-40322386-G-T. GRCh37 (hg19) VCF-style: chr12-40716188-G-T.
Other names: short protein forms L1795F.
Identifiers: ClinVar variation 39208 (VCV000039208.11), dbSNP rs111910483, ClinGen allele CA343626.
Genomic context (GRCh38, chr12:40,322,386, plus strand): 5'-TCTTTTGGGCCAAGTTGTGGACCACATTGATTCTCTCATGGAAGAATGGTTTCCTGGGTT[G>T]CTGGAGATTGATATTTGTGGTGAAGGAGAAACTCTGTTGAAGAAATGGGCATTATATAGT-3'
Protein context (NP_940980.4, residues 1785-1805): DSLMEEWFPG[Leu1795Phe]LEIDICGEGE

ClinVar aggregate classification (germline): Uncertain significance. Review status: criteria provided, multiple submitters, no conflicts (2 of 4 stars). 3 submissions from 3 submitters: Uncertain significance (2). 1 of the submissions does not count toward it. Last evaluated 2025-12-26.

Conditions:
Autosomal dominant Parkinson disease 8. Also called: Parkinson disease 8, susceptibility to; LRRK2-Related Parkinson Disease; Parkinson disease 8. Identifiers: Orphanet 411602, MedGen C1846862, MONDO:0011764, OMIM 607060.

Allele frequency attached by ClinVar (database versions not stated): TOPMed below 0.00001.
gnomAD v4.1: 2 of 1,613,650 alleles (0.00012%); highest among the groups gnomAD compares: Non-Finnish European, 0.00017%; no homozygotes.

Submissions (3):

Labcorp Genetics (formerly Invitae), Labcorp
Classification: Uncertain significance for Autosomal dominant Parkinson disease 8. Last evaluated: 2025-12-26. Review status: criteria provided, single submitter. Criteria: Invitae Variant Classification Sherloc (09022015). Collection method: clinical testing. Allele origin: germline.
Comment: This sequence change replaces leucine, which is neutral and non-polar, with phenylalanine, which is neutral and non-polar, at codon 1795 of the LRRK2 protein (p.Leu1795Phe). This variant is not present in population databases (gnomAD no frequency). This missense change has been observed in individual(s) with Parkinson disease (PMID: 17804834, 25174650, 27094865). ClinVar contains an entry for this variant (Variation ID: 39208). Invitae Evidence Modeling of protein sequence and biophysical properties (such as structural, functional, and spatial information, amino acid conservation, physicochemical variation, residue mobility, and thermodynamic stability) indicates that this missense variant is expected to disrupt LRRK2 protein function with a positive predictive value of 80%. Experimental studies have shown that this missense change affects LRRK2 function (PMID: 20642453, 22004453, 35950872). In summary, the available evidence is currently insufficient to determine the role of this variant in disease. Therefore, it has been classified as a Variant of Uncertain Significance.

GeneDx
Classification: Uncertain significance. Last evaluated: 2025-01-06. Review status: criteria provided, single submitter. Criteria: GeneDx Variant Classification Process June 2021. Collection method: clinical testing. Allele origin: germline. Affected: yes.
Comment: Reported previously in association with Parkinson disease; however, additional clinical information and segregation information were not provided (PMID: 25174650, 21661047, 27094865, 38191580, 31737044); Published functional studies are inconclusive as to whether the variant alters protein function and structure (PMID: 20642453, 22004453, 35950872); In silico analysis supports that this missense variant has a deleterious effect on protein structure/function; Not observed at significant frequency in large population cohorts (gnomAD); This variant is associated with the following publications: (PMID: 22004453, 17804834, 19472409, 21885347, 24488318, 30049590, 21661047, 32999056, 20301387, 38529492, 22583432, 38621236, 39372927, 18973807, 39605327, 37473971, Kruger_2024[Pre-print], 33640967, 38854119, 35950872, 25174650, 27094865, 38191580, 31737044, 20642453)

GeneReviews
No classification provided. Condition: Autosomal dominant Parkinson disease 8. Review status: no classification provided. Collection method: literature only. Allele origin: unknown. Not counted in ClinVar's aggregate classification.

Literature cited by the submitters: PubMed 17804834 (cited by Labcorp Genetics (formerly Invitae), Labcorp); PubMed 25174650 (cited by Labcorp Genetics (formerly Invitae), Labcorp); PubMed 27094865 (cited by Labcorp Genetics (formerly Invitae), Labcorp); PubMed 20642453 (cited by Labcorp Genetics (formerly Invitae), Labcorp); PubMed 22004453 (cited by Labcorp Genetics (formerly Invitae), Labcorp); PubMed 35950872 (cited by Labcorp Genetics (formerly Invitae), Labcorp); PubMed 20301387 (cited by GeneReviews); NCBI Bookshelf NBK1208 (cited by GeneReviews).